The following is an entry in ClinVar:

NM_001783.4(CD79A):c.253G>A (p.Glu85Lys)

Genes: CD79A (CD79a molecule; plus strand), RPS19-CD79A (RPS19-CD79A readthrough; plus strand). Cytogenetic location: 19q13.2.
Variant type: single nucleotide variant.
Coding change: c.253G>A on transcript NM_001783.4 (MANE Select); coding-DNA position 253, G replaced by A.
Protein change: p.Glu85Lys; replaces glutamic acid 85 with lysine.
Molecular consequence: missense variant.
Genome position (GRCh38, 1-based): chr19:41,879,163, G>A. VCF-style: chr19-41879163-G-A. GRCh37 (hg19) VCF-style: chr19-42383233-G-A.
Other names: c.253G>A, p.Glu85Lys (NM_021601.4); short protein forms E85K.
Identifiers: ClinVar variation 2056574 (VCV002056574.3), dbSNP rs781949432, ClinGen allele CA9465547.

ClinVar aggregate classification (germline): Uncertain significance (1 of 4 stars; one submission).

Conditions:
Agammaglobulinemia 3, autosomal recessive (AGM3). Also called: AGAMMAGLOBULINEMIA 3; AGAMMAGLOBULINEMIA, AUTOSOMAL RECESSIVE, DUE TO CD79A DEFECT. Identifiers: MedGen C3150751, MONDO:0013288, OMIM 613501.

Allele frequency attached by ClinVar (database versions not stated): ExAC 0.00002; gnomAD 0.00002; gnomAD exomes 0.00002; TOPMed 0.00002.
gnomAD v4.1: 34 of 1,613,930 alleles (0.0021%); highest among the groups gnomAD compares: Admixed American, 0.012%; no homozygotes.

Submission:

Labcorp Genetics (formerly Invitae), Labcorp
Classification: Uncertain significance for Agammaglobulinemia 3, autosomal recessive. Last evaluated: 2023-10-13. Review status: criteria provided, single submitter. Criteria: Invitae Variant Classification Sherloc (09022015). Collection method: clinical testing. Allele origin: germline.
Comment: This sequence change replaces glutamic acid, which is acidic and polar, with lysine, which is basic and polar, at codon 85 of the CD79A protein (p.Glu85Lys). This variant is present in population databases (rs781949432, gnomAD 0.02%). This variant has not been reported in the literature in individuals affected with CD79A-related conditions. ClinVar contains an entry for this variant (Variation ID: 2056574). Algorithms developed to predict the effect of missense changes on protein structure and function output the following: SIFT: "Not Available"; PolyPhen-2: "Benign"; Align-GVGD: "Not Available". The lysine amino acid residue is found in multiple mammalian species, which suggests that this missense change does not adversely affect protein function. In summary, the available evidence is currently insufficient to determine the role of this variant in disease. Therefore, it has been classified as a Variant of Uncertain Significance.